The following is an entry in ClinVar:

NM_000186.4(CFH):c.3593A>T (p.Glu1198Val)

Gene: CFH (complement factor H; plus strand). Cytogenetic location: 1q31.3.
Variant type: single nucleotide variant.
Coding change: c.3593A>T on transcript NM_000186.4 (MANE Select); coding-DNA position 3593, A replaced by T.
Protein change: p.Glu1198Val; replaces glutamic acid 1198 with valine.
Molecular consequence: missense variant.
Genome position (GRCh38, 1-based): chr1:196,747,210, A>T. VCF-style: chr1-196747210-A-T. GRCh37 (hg19) VCF-style: chr1-196716340-A-T.
Other names: short protein forms E1198V.
Identifiers: ClinVar variation 4291624 (VCV004291624.1).
Genomic context (GRCh38, chr1:196,747,210, plus strand): 5'-ACATAGCATTAAGGTGGACAGCCAAACAGAAGCTTTATTCGAGAACAGGTGAATCAGTTG[A>T]ATTTGTGTGTAAACGGGGATATCGTCTTTCATCACGTTCTCACACATTGCGAACAACATG-3'
Protein context (NP_000177.2, residues 1188-1208): KLYSRTGESV[Glu1198Val]FVCKRGYRLS

ClinVar aggregate classification (germline): Likely pathogenic (1 of 4 stars; one submission).

Conditions:
Atypical hemolytic-uremic syndrome. Identifiers: Orphanet 2134, MedGen C2931788, MONDO:0016244.

Submission:

Genomenon, Inc
Classification: Likely pathogenic for Atypical hemolytic-uremic syndrome. Last evaluated: 2025-10-02. Review status: criteria provided, single submitter. Criteria: Genomenon Sequence Variant Interpretation Standards - Updated. Collection method: curation. Allele origin: germline. Affected: yes.
Comment: CFH p.Glu1198Val (c.3593A>T) is a missense variant that changes the amino acid at residue 1198 from Glutamic acid to Valine. This variant has been observed in at least one proband affected with atypical hemolytic-uremic syndrome (PMID:35769858;29511899;25443527). Functional studies have been reported (PMID:34189567). The presence of pathogenic missense variant(s) at the same amino acid position indicates that this residue is likely important for protein function. It is absent or not present at a significant frequency in gnomAD. In conclusion, we classify CFH p.Glu1198Val (c.3593A>T) as a likely pathogenic variant.

Literature cited by the submitters: PubMed 35769858; PubMed 29511899; PubMed 25443527; PubMed 34189567.